The following is an entry in ClinVar:

NM_000059.4(BRCA2):c.7534C>T (p.Leu2512Phe)

Gene: BRCA2 (BRCA2 DNA repair associated; plus strand). Cytogenetic location: 13q13.1.
Variant type: single nucleotide variant.
Coding change: c.7534C>T on transcript NM_000059.4 (MANE Select); coding-DNA position 7534, C replaced by T.
Protein change: p.Leu2512Phe; replaces leucine 2512 with phenylalanine.
Molecular consequence: missense variant.
Genome position (GRCh38, 1-based): chr13:32,356,526, C>T. VCF-style: chr13-32356526-C-T. GRCh37 (hg19) VCF-style: chr13-32930663-C-T.
Other names: p.L2512F:CTT>TTT; short protein forms L2512F.
Identifiers: ClinVar variation 52349 (VCV000052349.71), dbSNP rs80358980, ClinGen allele CA025136.

ClinVar aggregate classification (germline): Benign. Review status: reviewed by expert panel (3 of 4 stars). 24 submissions from 24 submitters: Benign (1). 23 of the submissions do not count toward it. Last evaluated 2019-06-18.

Conditions:
BRCA2-related disorder. Also called: BRCA2-related condition; BRCA2-related disorders. Identifiers: MedGen CN239275.
Breast and/or ovarian cancer. Identifiers: MedGen CN221562.
Hereditary cancer-predisposing syndrome. Also called: Hereditary Cancer Syndrome; Tumor predisposition; Neoplastic Syndromes, Hereditary; Hereditary neoplastic syndrome. Identifiers: Orphanet 140162, MedGen C0027672, MeSH D009386, MONDO:0015356.
Hereditary breast ovarian cancer syndrome. Also called: Breast and ovarian cancer; BRCA1- and BRCA2-Associated Hereditary Breast and Ovarian Cancer; Hereditary breast and ovarian cancer; Hereditary breast and ovarian cancer syndrome (HBOC); Hereditary breast and ovarian cancer syndrome; Hereditary breast and/or ovarian cancer syndrome. Identifiers: Orphanet 145, MedGen C0677776, MeSH D061325, MONDO:0003582. Disease mechanism: loss of function.
Breast-ovarian cancer, familial, susceptibility to, 2 (BROVCA2). Also called: BRCA2 Hereditary Breast and Ovarian Cancer. Identifiers: Orphanet 145, MedGen C2675520, MONDO:0012933, OMIM 612555. Disease mechanism: loss of function.
Malignant tumor of breast. Also called: Malignant breast neoplasm; Cancer breast. Identifiers: MedGen C0006142, MONDO:0007254. Disease mechanism: loss of function.

Allele frequency attached by ClinVar (database versions not stated): gnomAD 0.00002 and 0.00004; gnomAD exomes 0.00002 and 0.00004; TOPMed 0.00002; ExAC 0.00004; ESP Exome Variant Server 0.00008.
gnomAD v4.1: 66 of 1,614,224 alleles (0.0041%); highest among the groups gnomAD compares: Middle Eastern, 0.76%; 4 homozygotes.

Submissions 1 to 19 of 24:

Evidence-based Network for the Interpretation of Germline Mutant Alleles (ENIGMA)
Classification: Benign for Breast-ovarian cancer, familial, susceptibility to, 2. Last evaluated: 2019-06-18. Review status: reviewed by expert panel. Criteria: ENIGMA BRCA1/2 Classification Criteria (2017-06-29). Collection method: curation. Allele origin: germline.
Comment: IARC class based on posterior probability from multifactorial likelihood analysis, thresholds for class as per Plon et al. 2008 (PMID: 18951446). Class 1 based on posterior probability = 0.000428

Labcorp Genetics (formerly Invitae), Labcorp
Classification: Benign for Hereditary breast ovarian cancer syndrome. Last evaluated: 2026-02-02. Review status: criteria provided, single submitter. Criteria: Invitae Variant Classification Sherloc (09022015). Collection method: clinical testing. Allele origin: germline. Not counted in ClinVar's aggregate classification.

Dasa
Classification: Likely benign for Breast-ovarian cancer, familial, susceptibility to, 2. Last evaluated: 2026-01-19. Review status: criteria provided, single submitter. Criteria: DASA Assertion Criteria. Collection method: clinical testing. Allele origin: germline. Not counted in ClinVar's aggregate classification.
Comment: NM_000059.4(BRCA2):c.7534C>T (p.Leu2512Phe) is interpreted based on available population and clinical evidence, including population frequency and no convincing observation in affected individuals. Based on the available data, this variant is classified as likely benign.

Women's Health and Genetics/Laboratory Corporation of America, LabCorp
Classification: Likely benign. Last evaluated: 2025-11-10. Review status: criteria provided, single submitter. Criteria: LabCorp Variant Classification Summary - May 2015. Collection method: clinical testing. Allele origin: germline. Not counted in ClinVar's aggregate classification.
Comment: Variant summary: BRCA2 c.7534C>T (p.Leu2512Phe) results in a non-conservative amino acid change located in the Breast cancer type 2 susceptibility protein, helical domain (IPR015252) of the encoded protein sequence. Algorithms developed to predict the effect of missense changes on protein structure and function all suggest that this variant is likely to be disruptive. The variant allele was found at a frequency of 2e-05 in 348928 control chromosomes (gnomAD v2). It was also reported in the MIddel Eastern subpopulation in the gnomAD v4 database, including 4 homozygotes. c.7534C>T has been reported in the literature in the heterozygous state in multiple individuals affected with Hereditary Breast and Ovarian Cancer without strong evidence of causality (e.g. Zuntini_2018, Shimelis_2017, Alanazi_2020, Velazquez_2020). These reports do not provide unequivocal conclusions about association of the variant with Hereditary Breast and Ovarian Cancer. Co-occurrence with another pathogenic variant(s) have been reported (BRCA1 c.4760C>G, p.Ser1587X), providing supporting evidence for a benign role (UMD database). To our knowledge, no experimental evidence demonstrating an impact on protein function has been reported. The following publications have been ascertained in the context of this evaluation (PMID: 30199306, 30588330, 32994724, 25964535, 21120943, 28288110, 19043619, 27914478, 28283652, 32522261, 24489791, 30254663). ClinVar contains an entry for this variant (Variation ID: 52349). Based on the evidence outlined above, the variant was classified as likely benign.

CeGaT Center for Human Genetics Tuebingen
Classification: Uncertain significance. Last evaluated: 2025-11-01. Review status: criteria provided, single submitter. Criteria: CeGaT Center For Human Genetics Tuebingen Variant Classification Criteria Version 2. Collection method: clinical testing. Allele origin: germline. Affected: yes. Observed: 2 variant alleles. Not counted in ClinVar's aggregate classification.

GeneKor MSA
Classification: Benign for Hereditary breast ovarian cancer syndrome. Last evaluated: 2025-07-10. Review status: criteria provided, single submitter. Criteria: ACMG Guidelines, 2015. Collection method: clinical testing. Allele origin: germline. Not counted in ClinVar's aggregate classification.

Mayo Clinic Laboratories, Mayo Clinic
Classification: Benign. Last evaluated: 2025-06-05. Review status: criteria provided, single submitter. Criteria: ACMG Guidelines, 2015. Collection method: clinical testing. Allele origin: germline. Observed: 1 variant allele. Not counted in ClinVar's aggregate classification.
Comment: BS1_supporting, BP4, BP5_strong, BP6

Center for Genomic Medicine, Rigshospitalet, Copenhagen University Hospital
Classification: Benign. Last evaluated: 2025-03-04. Review status: criteria provided, single submitter. Criteria: ACMG Guidelines, 2015. Collection method: clinical testing. Allele origin: germline. Not counted in ClinVar's aggregate classification.

Institute for Biomarker Research, Medical Diagnostic Laboratories, L.L.C.
Classification: Uncertain significance for Hereditary breast ovarian cancer syndrome. Last evaluated: 2024-05-22. Review status: criteria provided, single submitter. Criteria: ACMG Guidelines, 2015. Collection method: clinical testing. Allele origin: germline. Not counted in ClinVar's aggregate classification.

Quest Diagnostics Nichols Institute San Juan Capistrano
Classification: Likely benign. Last evaluated: 2024-01-17. Review status: criteria provided, single submitter. Criteria: Quest Diagnostics criteria. Collection method: clinical testing. Allele origin: unknown. Not counted in ClinVar's aggregate classification.

Revvity Omics, Revvity
Classification: Uncertain significance. Last evaluated: 2023-06-05. Review status: criteria provided, single submitter. Criteria: ACMG Guidelines, 2015. Collection method: clinical testing. Allele origin: germline. Not counted in ClinVar's aggregate classification.

CHEO Genetics Diagnostic Laboratory, Children's Hospital of Eastern Ontario
Classification: Uncertain significance for Breast and/or ovarian cancer. Last evaluated: 2022-05-30. Review status: criteria provided, single submitter. Criteria: ACMG Guidelines, 2015. Collection method: clinical testing. Allele origin: germline. Not counted in ClinVar's aggregate classification.

Color Diagnostics, LLC DBA Color Health
Classification: Likely benign for Hereditary cancer-predisposing syndrome. Last evaluated: 2022-03-01. Review status: criteria provided, single submitter. Criteria: ACMG Guidelines, 2015. Collection method: clinical testing. Allele origin: germline. Not counted in ClinVar's aggregate classification.

Institute for Clinical Genetics, University Hospital TU Dresden, University Hospital TU Dresden
Classification: Benign. Last evaluated: 2021-11-03. Review status: criteria provided, single submitter. Criteria: ACMG Guidelines, 2015. Collection method: clinical testing. Allele origin: germline. Not counted in ClinVar's aggregate classification.

GeneDx
Classification: Likely benign. Last evaluated: 2021-03-09. Review status: criteria provided, single submitter. Criteria: GeneDx Variant Classification Process June 2021. Collection method: clinical testing. Allele origin: germline. Affected: yes. Not counted in ClinVar's aggregate classification.
Comment: This variant is associated with the following publications: (PMID: 24489791, 31131967, 19043619, 21120943, 27914478, 12228710, 25964535, 10923033, 18951461, 28283652, 30254663, 28288110, 30588330, 30199306, 32994724, 33067490)

Ambry Genetics
Classification: Likely benign for Hereditary cancer-predisposing syndrome. Last evaluated: 2018-09-11. Review status: criteria provided, single submitter. Criteria: Ambry Variant Classification Scheme 2023. Collection method: clinical testing. Allele origin: germline. Not counted in ClinVar's aggregate classification.

Department of Medical and Surgical Sciences, University of Bologna
Classification: Benign for Breast-ovarian cancer, familial, susceptibility to, 2. Last evaluated: 2023-09-01. Review status: no assertion criteria provided. Collection method: clinical testing. Allele origin: germline. Affected: yes. Not counted in ClinVar's aggregate classification.
Comment: BS1(Supporting)+BP5(Very Strong) according to ACMG/AMP classification guidelines specified for BRCA1 & BRCA2 (Classification Criteria V1.0.0 2023-09-08) (PMID: 38160042)

PreventionGenetics, part of Exact Sciences
Classification: Likely benign for BRCA2-related condition. Last evaluated: 2020-07-13. Review status: no assertion criteria provided. Collection method: clinical testing. Allele origin: germline. Not counted in ClinVar's aggregate classification.
Comment: This variant is classified as likely benign based on ACMG/AMP sequence variant interpretation guidelines (Richards et al. 2015 PMID: 25741868, with internal and published modifications).

Counsyl
Classification: Likely benign for Breast-ovarian cancer, familial 2. Last evaluated: 2014-11-14. Review status: no assertion criteria provided. Collection method: literature only. Allele origin: unknown. Inheritance: Autosomal dominant inheritance. Not counted in ClinVar's aggregate classification.